The following is an entry in ClinVar:

NM_005609.4(PYGM):c.1969+272T>C

Gene: PYGM (glycogen phosphorylase, muscle associated; minus strand). Cytogenetic location: 11q13.1.
Variant type: single nucleotide variant.
Coding change: c.1969+272T>C on transcript NM_005609.4 (MANE Select); 272 bases into the intron after coding-DNA position 1969, T replaced by C.
Molecular consequence: intron variant.
Genome position (GRCh38, 1-based): chr11:64,751,053, A>G on the plus strand (T>C on the coding strand, the complement: PYGM is on the minus strand). VCF-style: chr11-64751053-A-G. GRCh37 (hg19) VCF-style: chr11-64518525-A-G.
Other names: c.1705+272T>C (NM_001164716.1).
Identifiers: ClinVar variation 680728 (VCV000680728.2), dbSNP rs592521, ClinGen allele CA223898083.

ClinVar aggregate classification (germline): Benign. Review status: criteria provided, multiple submitters, no conflicts (2 of 4 stars). 2 submissions from 2 submitters: Benign (2). Last evaluated 2018-06-18.

Allele frequency attached by ClinVar (database versions not stated): gnomAD exomes 0.12465; gnomAD 0.13373 and 0.13969; TOPMed 0.15114; 1000 Genomes Project 0.19708; 1000 Genomes Project 30x 0.19909.
gnomAD v4.1: 57,034 of 442,258 alleles (13%); highest among the groups gnomAD compares: East Asian, 39%; 5,184 homozygotes.

Submissions (2):

GeneDx
Classification: Benign. Last evaluated: 2018-06-18. Review status: criteria provided, single submitter. Criteria: GeneDx Variant Classification (06012015). Collection method: clinical testing. Allele origin: germline. Affected: yes.
Comment: This variant is considered likely benign or benign based on one or more of the following criteria: it is a conservative change, it occurs at a poorly conserved position in the protein, it is predicted to be benign by multiple in silico algorithms, and/or has population frequency not consistent with disease.

Breakthrough Genomics
Classification: Benign. Review status: criteria provided, single submitter. Criteria: ACMG Guidelines, 2015. Collection method: not provided. Allele origin: germline. Inheritance: Autosomal recessive inheritance. Affected: yes.